The following is an entry in ClinVar:

ClinVar aggregate classification (germline): Pathogenic (0 of 4 stars; one submission).

Conditions:
Vascular Malformations and Overgrowth.

Submission:

Institute for Genomic Medicine (IGM) Clinical Laboratory, Nationwide Children's Hospital
Classification: Pathogenic for Vascular Malformations and Overgrowth. Last evaluated: 2020-11-08. Review status: no assertion criteria provided. Collection method: research. Allele origin: somatic. Affected: yes.
Comment: This alteration is of apparent somatic mosaic etiology with strong supporting evidence including no discernible strand bias, in a region absent of repetition and sequence homology, with clean, high-quality reads, having a variant allele fraction >= 3% [PS2], is supported by well-established models demonstrating downstream impact of the variant on RNA structure, gene expression, or protein function [PS3], is either well-represented in cancer as identified in the COSMIC database with >=20 documented instances or considered to occur in a statistically significant hotspot or region according to an online resource database [PM_CANCER], is in a non-repetitive region and results in a protein length change predicted to result in an in-frame protein product [PM4], and is at increased prevalence in our cohort, with >= 3 occurrences in unrelated individuals [PS4_Sup].

NM_181523.3(PIK3R1):c.1748_1750delGGT

Gene: PIK3R1 (phosphoinositide-3-kinase regulatory subunit 1; plus strand). Cytogenetic location: 5q13.1.
Variant type: Microsatellite.
Coding change: c.1748_1750delGGT on transcript NM_181523.3 (MANE Select); coding-DNA positions 1748 to 1750, 3 bases deleted (GGT).
Molecular consequence: splice acceptor variant.
Genome position (GRCh38, 1-based): chr5:68,295,422-68,295,424, GGT deleted; deleting any 3 consecutive bases within chr5:68,295,419-68,295,424 gives the same sequence; the c. name uses the placement nearest the transcript's 3' end. VCF-style (leftmost placement, unchanged base first): chr5-68295418-AGGT-A. GRCh37 (hg19) VCF-style: chr5-67591246-AGGT-A.
Identifiers: ClinVar variation 376263 (VCV000376263.6), dbSNP rs1131692243, ClinGen allele CA645372768.